The following is an entry in ClinVar:

NM_001854.4(COL11A1):c.652-6del

Gene: COL11A1 (collagen type XI alpha 1 chain; minus strand). Cytogenetic location: 1p21.1.
Variant type: Deletion.
Coding change: c.652-6del on transcript NM_001854.4 (MANE Select); 6 bases into the intron before coding-DNA position 652, one base deleted (T; older notation c.652-6delT).
Molecular consequence: intron variant.
Genome position (GRCh38, 1-based): chr1:103,031,250, A deleted on the plus strand (T on the coding strand, the reverse complement: COL11A1 is on the minus strand); the first of 13 consecutive A bases (chr1:103,031,250-103,031,262); deleting any one gives the same sequence. VCF-style (leftmost placement, unchanged base first): chr1-103031249-GA-G. GRCh37 (hg19) VCF-style: chr1-103496805-GA-G.
Other names: p.?; c.652-6delT (NM_080629.2, NM_080629.3); c.652-6del (NM_001190709.2, NM_080629.3, NM_080630.4); c.652-7delT (NM_001854.3).
Identifiers: ClinVar variation 218828 (VCV000218828.25), dbSNP rs36076089, ClinGen allele CA248857.

ClinVar aggregate classification (germline): Benign/Likely benign. Review status: criteria provided, multiple submitters, no conflicts (2 of 4 stars). 16 submissions from 13 submitters: Benign (10); Likely benign (1). 5 of the submissions do not count toward it. Last evaluated 2026-02-04.

Conditions:
Stickler syndrome type 2 (STL2). Also called: COL11A1-Related Stickler Syndrome; STICKLER SYNDROME, TYPE II; STICKLER SYNDROME, BEADED VITREOUS TYPE; STICKLER SYNDROME, VITREOUS TYPE 2. Identifiers: Orphanet 828, Orphanet 90654, MedGen C1858084, MONDO:0011493, OMIM 604841.
Marshall syndrome (MRSHS). Identifiers: Orphanet 560, MedGen C0265235, MONDO:0007949, OMIM 154780.
Connective tissue disorder. Also called: Connective tissue disease. Identifiers: MedGen C0009782, MONDO:0003900.
Hearing loss, autosomal dominant 37. Also called: DEAFNESS, AUTOSOMAL DOMINANT 37. Identifiers: MedGen C4760307, MONDO:0032802, OMIM 618533.
Fibrochondrogenesis 1 (FBCG1). Identifiers: Orphanet 2021, MedGen C3278138, MONDO:0009226, OMIM 228520.

Submissions (16):

Labcorp Genetics (formerly Invitae), Labcorp
Classification: Benign. Last evaluated: 2026-02-04. Review status: criteria provided, single submitter. Criteria: Invitae Variant Classification Sherloc (09022015). Collection method: clinical testing. Allele origin: germline.

Laboratory of Genetics, Children's Clinical University Hospital Latvia
Classification: Benign. Last evaluated: 2025-02-16. Review status: criteria provided, single submitter. Criteria: ACMG Guidelines, 2015. Collection method: clinical testing. Allele origin: germline. Affected: yes.

Blueprint Genetics
Classification: Likely benign. Last evaluated: 2024-11-26. Review status: criteria provided, single submitter. Criteria: ACMG Guidelines, 2015. Collection method: clinical testing. Allele origin: germline.

Molecular Genetics, Royal Melbourne Hospital
Classification: Benign for Fibrochondrogenesis 1. Last evaluated: 2023-05-04. Review status: criteria provided, single submitter. Criteria: ACMG Guidelines, 2015. Collection method: clinical testing. Allele origin: germline. Affected: yes.
Comment: European Non-Finnish population allele frequency is 55.99% (rs749687230, 55454/91130 alleles, 10376 homozygotes in gnomAD v2.1). Based on the classification scheme RMH Modified ACMG/AMP Guidelines v1.1.0, this variant is classified as BENIGN. Following criteria are met: BA1

Genome-Nilou Lab
Classification: Benign for Hearing loss, autosomal dominant 37. Last evaluated: 2021-07-22. Review status: criteria provided, single submitter. Criteria: ACMG Guidelines, 2015. Collection method: clinical testing. Allele origin: germline. Affected: no.

Genome-Nilou Lab
Classification: Benign for Fibrochondrogenesis 1. Last evaluated: 2021-07-22. Review status: criteria provided, single submitter. Criteria: ACMG Guidelines, 2015. Collection method: clinical testing. Allele origin: germline. Affected: no.

Genome-Nilou Lab
Classification: Benign for Marshall syndrome. Last evaluated: 2021-07-22. Review status: criteria provided, single submitter. Criteria: ACMG Guidelines, 2015. Collection method: clinical testing. Allele origin: germline. Affected: no.

Genome-Nilou Lab
Classification: Benign for Stickler syndrome type 2. Last evaluated: 2021-07-22. Review status: criteria provided, single submitter. Criteria: ACMG Guidelines, 2015. Collection method: clinical testing. Allele origin: germline. Affected: no.

Genome Diagnostics Laboratory, The Hospital for Sick Children
Classification: Benign for Connective tissue disorder. Last evaluated: 2021-07-20. Review status: criteria provided, single submitter. Criteria: ACMG Guidelines, 2015. Collection method: clinical testing. Allele origin: germline.

Mayo Clinic Laboratories, Mayo Clinic
Classification: Benign. Last evaluated: 2019-05-24. Review status: criteria provided, single submitter. Criteria: ACMG Guidelines, 2015. Collection method: clinical testing. Allele origin: germline. Observed: 164 variant alleles.

Genomic Diagnostic Laboratory, Division of Genomic Diagnostics, Children's Hospital of Philadelphia
Classification: Benign. Last evaluated: 2015-02-13. Review status: criteria provided, single submitter. Criteria: DGD Variant Analysis Guidelines. Collection method: clinical testing. Allele origin: unknown.

Clinical Genetics DNA and cytogenetics Diagnostics Lab, Erasmus MC, Erasmus Medical Center
Classification: Benign. Review status: no assertion criteria provided. Collection method: clinical testing. Allele origin: germline. Affected: yes. Study: VKGL Data-share Consensus. Not counted in ClinVar's aggregate classification.

Diagnostic Laboratory, Department of Genetics, University Medical Center Groningen
Classification: Benign. Review status: no assertion criteria provided. Collection method: clinical testing. Allele origin: germline. Affected: yes. Study: VKGL Data-share Consensus. Not counted in ClinVar's aggregate classification.

Genome Diagnostics Laboratory, Amsterdam University Medical Center
Classification: Benign. Review status: no assertion criteria provided. Collection method: clinical testing. Allele origin: germline. Affected: yes. Study: VKGL Data-share Consensus. Not counted in ClinVar's aggregate classification.

Genome Diagnostics Laboratory, University Medical Center Utrecht
Classification: Benign. Review status: no assertion criteria provided. Collection method: clinical testing. Allele origin: germline. Affected: yes. Study: VKGL Data-share Consensus. Not counted in ClinVar's aggregate classification.

Laboratory of Diagnostic Genome Analysis, Leiden University Medical Center (LUMC)
Classification: Likely benign. Review status: no assertion criteria provided. Collection method: clinical testing. Allele origin: germline. Affected: yes. Study: VKGL Data-share Consensus. Not counted in ClinVar's aggregate classification.